The following is an entry in ClinVar:

ClinVar aggregate classification (germline): Likely pathogenic (1 of 4 stars; one submission).

Conditions:
Pyruvate carboxylase deficiency. Also called: ATAXIA WITH LACTIC ACIDOSIS II; LEIGH NECROTIZING ENCEPHALOPATHY DUE TO PYRUVATE CARBOXYLASE DEFICIENCY; LEIGH SYNDROME DUE TO PYRUVATE CARBOXYLASE DEFICIENCY; PC DEFICIENCY; Pyruvate Carboxylase Deficiency Disease. Identifiers: Orphanet 3008, MedGen C0034341, MONDO:0009949, OMIM 266150.

Submission:

Myriad Genetics, Inc.
Classification: Likely pathogenic for Pyruvate carboxylase deficiency. Last evaluated: 2022-04-01. Review status: criteria provided, single submitter. Criteria: Myriad Women's Health Autosomal Recessive and X-Linked Classification Criteria (2021). Collection method: clinical testing. Allele origin: unknown.
Comment: NM_000920.3(PC):c.1533_1549del17(P512Rfs*34) is expected to be pathogenic in the context of pyruvate carboxylase deficiency. This variant is predicted to lead to an abnormal or absent protein product due to the creation of a premature termination codon in PC, a gene where loss-of-function variants are known to be pathogenic. Please note: this variant was assessed in the context of healthy population screening.

NM_001040716.2(PC):c.1533_1549del (p.Pro512fs)

Gene: PC (pyruvate carboxylase; minus strand). Cytogenetic location: 11q13.2.
Variant type: Deletion.
Coding change: c.1533_1549del on transcript NM_001040716.2 (MANE Select); coding-DNA positions 1533 to 1549, 17 bases deleted (TCCAACCACCCCGATTC).
Protein change: p.Pro512fs; shifts the reading frame from proline 512.
Molecular consequence: frameshift variant.
Genome position (GRCh38, 1-based): chr11:66,852,801-66,852,817, GAATCGGGGTGGTTGGA deleted on the plus strand (TCCAACCACCCCGATTC on the coding strand, the reverse complement: PC is on the minus strand). VCF-style (leftmost placement, unchanged base first): chr11-66852800-GGAATCGGGGTGGTTGGA-G. GRCh37 (hg19) VCF-style: chr11-66620271-GGAATCGGGGTGGTTGGA-G.
Other names: c.1533_1549del, p.Pro512fs (NM_000920.4, NM_022172.3); short protein forms P512fs.
Identifiers: ClinVar variation 1725807 (VCV001725807.2), dbSNP rs2495495266, ClinGen allele CA2580084619.